The following is an entry in ClinVar:

NM_001165963.4(SCN1A):c.1819T>A (p.Ser607Thr)

Gene: SCN1A (sodium voltage-gated channel alpha subunit 1; minus strand). Cytogenetic location: 2q24.3.
Variant type: single nucleotide variant.
Coding change: c.1819T>A on transcript NM_001165963.4 (MANE Select); coding-DNA position 1819, T replaced by A.
Protein change: p.Ser607Thr; replaces serine 607 with threonine.
Molecular consequence: missense variant. On other transcripts: 5 prime UTR variant (1), non-coding transcript variant (1).
Genome position (GRCh38, 1-based): chr2:166,043,893, A>T on the plus strand (T>A on the coding strand, the complement: SCN1A is on the minus strand). VCF-style: chr2-166043893-A-T. GRCh37 (hg19) VCF-style: chr2-166900403-A-T.
Other names: c.1819T>A, p.Ser607Thr (NM_001165964.3, NM_001202435.3, NM_001353948.2 and 7 more transcripts); c.1816T>A, p.Ser606Thr (NM_001353954.2, NM_001353955.2, NM_001353960.2); c.-607T>A (NM_001353961.2); c.1819T>A (NM_001202435.1); short protein forms S607T, S606T.
Identifiers: ClinVar variation 578330 (VCV000578330.14), dbSNP rs967989950, ClinGen allele CA59793845.
Genomic context (GRCh38, chr2:166,043,893, plus strand): 5'-TACTGGTCTGACTCAGGTTGCTGTTGCGTCTCTCTCCGTGTCGTCGGGGCACAAACAAGG[A>T]ATCTCTACGGCTCTCGTTATCCTCAAAGGTGCTGTGCTCATCATCTGCGAAGTCGTTCTC-3'
Protein context (NP_001159435.1, residues 597-617): TFEDNESRRD[Ser607Thr]LFVPRRHGER

ClinVar aggregate classification (germline): Uncertain significance. Review status: criteria provided, multiple submitters, no conflicts (2 of 4 stars). 4 submissions from 4 submitters: Uncertain significance (4). Last evaluated 2026-04-22.

Conditions:
Inborn genetic diseases. Identifiers: MedGen C0950123, MeSH D030342.
SCN1A-related disorder. Also called: SCN1A-related disorders; SCN1A-related conditions; SCN1A-related condition.
Early-infantile DEE. Also called: Early infantile epileptic encephalopathy with suppression bursts; Early infantile epileptic encephalopathy; Ohtahara syndrome. Identifiers: Orphanet 1934, MedGen C0393706, MONDO:0800491.

Allele frequency attached by ClinVar (database versions not stated): gnomAD exomes below 0.00001; TOPMed below 0.00001.
gnomAD v4.1: 3 of 1,614,082 alleles (0.00019%); highest among the groups gnomAD compares: Non-Finnish European, 0.000085%; no homozygotes.

Submissions (4):

PreventionGenetics, part of Exact Sciences
Classification: Uncertain significance for SCN1A-related condition. Last evaluated: 2026-04-22. Review status: criteria provided, single submitter. Criteria: ACMG Guidelines, 2015. Collection method: clinical testing. Allele origin: germline.
Comment: The SCN1A c.1819T>A variant is predicted to result in the amino acid substitution p.Ser607Thr. To our knowledge, this variant has not been reported in the literature or in a large population database (gnomAD), indicating this variant is rare. At this time, the clinical significance of this variant is uncertain due to the absence of conclusive functional and genetic evidence.

Ambry Genetics
Classification: Uncertain significance for Inborn genetic diseases. Last evaluated: 2024-01-08. Review status: criteria provided, single submitter. Criteria: Ambry Variant Classification Scheme 2023. Collection method: clinical testing. Allele origin: germline.

GeneDx
Classification: Uncertain significance. Last evaluated: 2021-10-21. Review status: criteria provided, single submitter. Criteria: GeneDx Variant Classification Process June 2021. Collection method: clinical testing. Allele origin: germline. Affected: yes.
Comment: Has not been previously published as pathogenic or benign to our knowledge; Not observed in large population cohorts (Lek et al., 2016); This substitution is predicted to be in the cytoplasmic loop between the first and second homologous domains of the protein.; In silico analysis, which includes protein predictors and evolutionary conservation, supports a deleterious effect; The majority of missense variants in this gene are considered pathogenic (Stenson et al., 2014)

Labcorp Genetics (formerly Invitae), Labcorp
Classification: Uncertain significance for Early-infantile DEE. Last evaluated: 2018-04-18. Review status: criteria provided, single submitter. Criteria: Invitae Variant Classification Sherloc (09022015). Collection method: clinical testing. Allele origin: germline.
Comment: This variant has not been reported in the literature in individuals with SCN1A-related disease. This variant is not present in population databases (ExAC no frequency). This sequence change replaces serine with threonine at codon 607 of the SCN1A protein (p.Ser607Thr). The serine residue is highly conserved and there is a small physicochemical difference between serine and threonine. Algorithms developed to predict the effect of missense changes on protein structure and function (SIFT, PolyPhen-2, Align-GVGD) all suggest that this variant is likely to be disruptive, but these predictions have not been confirmed by published functional studies and their clinical significance is uncertain. In summary, the available evidence is currently insufficient to determine the role of this variant in disease. Therefore, it has been classified as a Variant of Uncertain Significance. This variant identified in the SCN1A gene is located in the cytoplasmic interdomain linker D1-D2 region of the resulting protein (PMID: 25348405, 18804930), but it is unclear how this variant impacts the function of this protein.

Literature cited by the submitters: PubMed 25348405 (cited by Labcorp Genetics (formerly Invitae), Labcorp); PubMed 18804930 (cited by Labcorp Genetics (formerly Invitae), Labcorp).